The following is an entry in ClinVar:

ClinVar aggregate classification (germline): Uncertain significance. Review status: criteria provided, multiple submitters, no conflicts (2 of 4 stars). 2 submissions from 2 submitters: Uncertain significance (2). Last evaluated 2025-11-08.

Allele frequency attached by ClinVar (database versions not stated): TOPMed 0.00003; ExAC 0.00001; gnomAD exomes 0.00001; gnomAD 0.00003.
gnomAD v4.1: 13 of 1,612,776 alleles (0.00081%); highest among the groups gnomAD compares: African/African-American, 0.0093%; no homozygotes.

Submissions (2):

Ambry Genetics
Classification: Uncertain significance. Last evaluated: 2025-11-08. Review status: criteria provided, single submitter. Criteria: Ambry Variant Classification Scheme 2023. Collection method: clinical testing. Allele origin: germline.

Greenwood Genetic Center Diagnostic Laboratories, Greenwood Genetic Center
Classification: Uncertain significance. Last evaluated: 2022-12-19. Review status: criteria provided, single submitter. Criteria: ACMG Guidelines, 2015. Collection method: clinical testing. Allele origin: germline. Affected: yes.
Comment: PM2

NM_001606.5(ABCA2):c.6691G>A (p.Asp2231Asn)

Gene: ABCA2 (ATP binding cassette subfamily A member 2; minus strand). Cytogenetic location: 9q34.3.
Variant type: single nucleotide variant.
Coding change: c.6691G>A on transcript NM_001606.5 (MANE Select); coding-DNA position 6691, G replaced by A.
Protein change: p.Asp2231Asn; replaces aspartic acid 2231 with asparagine.
Molecular consequence: missense variant.
Genome position (GRCh38, 1-based): chr9:137,009,584, C>T on the plus strand (G>A on the coding strand, the complement: ABCA2 is on the minus strand). VCF-style: chr9-137009584-C-T. GRCh37 (hg19) VCF-style: chr9-139904036-C-T.
Other names: c.6688G>A, p.Asp2230Asn (NM_001411042.1); c.6781G>A, p.Asp2261Asn (NM_212533.3); c.6781G>A (NM_212533.2); short protein forms D2230N, D2231N, D2261N.
Identifiers: ClinVar variation 2429044 (VCV002429044.5), dbSNP rs762693872, ClinGen allele CA5353500.